The following is an entry in ClinVar:

ClinVar aggregate classification (germline): Benign/Likely benign (0 of 4 stars; one submission).

Submission:

GeneDx
Classification: Benign/Likely benign. Last evaluated: 2010-11-30. Review status: no assertion criteria provided. Collection method: clinical testing. Allele origin: not provided. Affected: yes. Observed: 4 variant alleles. Clinical features observed: Developmental delay AND/OR other significant developmental or morphological phenotypes.
Comment: Likely benign (1), Benign (3)

GRCh38/hg38 1p36.33(chr1:1029317-1072906)x3

Genes: AGRN (agrin; plus strand), RNF223 (ring finger protein 223; minus strand), LOC100288175 (uncharacterized LOC100288175; plus strand), LOC105378948 (uncharacterized LOC105378948; minus strand), LOC106783496 (conserved acetylation island sequence 30 enhancer; plus strand) and 7 more. Cytogenetic location: 1p36.33.
Variant type: copy number gain.
Change: copy number 3 (three copies instead of two) of chr1:1,029,317-1,072,906 (43.6 kb, GRCh38 coordinates, 1-based), cytogenetic band 1p36.33.
Identifiers: ClinVar variation 145206 (VCV000145206.1).